The following is an entry in ClinVar:

ClinVar aggregate classification (germline): Uncertain significance. Review status: criteria provided, multiple submitters, no conflicts (2 of 4 stars). 2 submissions from 2 submitters: Uncertain significance (2). Last evaluated 2024-06-10.

Conditions:
Alagille syndrome due to a JAG1 point mutation. Also called: Alagille Syndrome 1; HEPATIC DUCTULAR HYPOPLASIA, SYNDROMATIC; JAG1-Related Alagille Syndrome. Identifiers: Orphanet 261619, Orphanet 52, MedGen C1956125, MONDO:0016862, OMIM 118450.

Submissions (2):

Labcorp Genetics (formerly Invitae), Labcorp
Classification: Uncertain significance for Alagille syndrome due to a JAG1 point mutation. Last evaluated: 2024-06-10. Review status: criteria provided, single submitter. Criteria: Invitae Variant Classification Sherloc (09022015). Collection method: clinical testing. Allele origin: germline.
Comment: This sequence change falls in intron 4 of the JAG1 gene. It does not directly change the encoded amino acid sequence of the JAG1 protein. It affects a nucleotide within the consensus splice site. This variant is present in population databases (no rsID available, gnomAD 0.0009%). This variant has not been reported in the literature in individuals affected with JAG1-related conditions. ClinVar contains an entry for this variant (Variation ID: 965625). Variants that disrupt the consensus splice site are a relatively common cause of aberrant splicing (PMID: 17576681, 9536098). Algorithms developed to predict the effect of sequence changes on RNA splicing suggest that this variant is not likely to affect RNA splicing. In summary, the available evidence is currently insufficient to determine the role of this variant in disease. Therefore, it has been classified as a Variant of Uncertain Significance.

Blueprint Genetics
Classification: Uncertain significance. Last evaluated: 2020-08-30. Review status: criteria provided, single submitter. Criteria: ACMG Guidelines, 2015. Collection method: clinical testing. Allele origin: germline.

Literature cited by the submitters: PubMed 17576681 (cited by Labcorp Genetics (formerly Invitae), Labcorp); PubMed 9536098 (cited by Labcorp Genetics (formerly Invitae), Labcorp).

NM_000214.3(JAG1):c.694+3_694+4del

Gene: JAG1 (jagged canonical Notch ligand 1; minus strand). Cytogenetic location: 20p12.2.
Variant type: Deletion.
Coding change: c.694+3_694+4del on transcript NM_000214.3 (MANE Select); bases 3 to 4 of the intron after coding-DNA position 694, 2 bases deleted (AT; older notation c.694+3_694+4delAT).
Molecular consequence: splice donor variant.
Genome position (GRCh38, 1-based): chr20:10,658,464-10,658,465, AT deleted on the plus strand (AT on the coding strand, the reverse complement: JAG1 is on the minus strand); deleting any 2 consecutive bases within chr20:10,658,464-10,658,466 gives the same sequence; the c. name uses the placement nearest the transcript's 3' end. VCF-style (leftmost placement, unchanged base first): chr20-10658463-CAT-C. GRCh37 (hg19) VCF-style: chr20-10639111-CAT-C.
Identifiers: ClinVar variation 965625 (VCV000965625.9), dbSNP rs1235111413, ClinGen allele CA634801889.